The following is an entry in ClinVar:

NM_025074.7(FRAS1):c.470-4C>G

Gene: FRAS1 (Fraser extracellular matrix complex subunit 1; plus strand). Cytogenetic location: 4q21.21.
Variant type: single nucleotide variant.
Coding change: c.470-4C>G on transcript NM_025074.7 (MANE Select); 4 bases into the intron before coding-DNA position 470, C replaced by G.
Molecular consequence: intron variant.
Genome position (GRCh38, 1-based): chr4:78,255,238, C>G. VCF-style: chr4-78255238-C-G. GRCh37 (hg19) VCF-style: chr4-79176392-C-G.
Other names: p.?; c.470-4C>G (NM_001166133.2).
Identifiers: ClinVar variation 349659 (VCV000349659.16), dbSNP rs59429199, ClinGen allele CA2975971.

ClinVar aggregate classification (germline): Benign. Review status: criteria provided, multiple submitters, no conflicts (2 of 4 stars). 4 submissions from 4 submitters: Benign (4). Last evaluated 2026-02-02.

Conditions:
Fraser syndrome 1 (FRASRS1). Also called: CRYPTOPHTHALMOS WITH OTHER MALFORMATIONS. Identifiers: Orphanet 2052, MedGen C4551480, MONDO:0054737, OMIM 219000.

Allele frequency attached by ClinVar (database versions not stated): gnomAD exomes 0.00558; ExAC 0.00998; gnomAD 0.02487 and 0.02676; ESP Exome Variant Server 0.02634; TOPMed 0.02842; 1000 Genomes Project 0.02855; 1000 Genomes Project 30x 0.02998.
gnomAD v4.1: 7,199 of 1,551,806 alleles (0.46%); highest among the groups gnomAD compares: African/African-American, 8.6%; 285 homozygotes.

Submissions (4):

Labcorp Genetics (formerly Invitae), Labcorp
Classification: Benign. Last evaluated: 2026-02-02. Review status: criteria provided, single submitter. Criteria: Invitae Variant Classification Sherloc (09022015). Collection method: clinical testing. Allele origin: germline.

Mayo Clinic Laboratories, Mayo Clinic
Classification: Benign. Last evaluated: 2023-04-10. Review status: criteria provided, single submitter. Criteria: ACMG Guidelines, 2015. Collection method: clinical testing. Allele origin: germline. Observed: 2 variant alleles.

Illumina Laboratory Services, Illumina
Classification: Benign for Fraser syndrome 1. Last evaluated: 2018-01-13. Review status: criteria provided, single submitter. Criteria: ICSL Variant Classification Criteria 13 December 2019. Collection method: clinical testing. Allele origin: germline.
Comment: This variant was observed in the ICSL laboratory as part of a predisposition screen in an ostensibly healthy population. It had not been previously curated by ICSL or reported in the Human Gene Mutation Database (HGMD: prior to June 1st, 2018), and was therefore a candidate for classification through an automated scoring system. Utilizing variant allele frequency, disease prevalence and penetrance estimates, and inheritance mode, an automated score was calculated to assess if this variant is too frequent to cause the disease. Based on the score and internal cut-off values, a variant classified as benign is not then subjected to further curation. The score for this variant resulted in a classification of benign for this disease.

Breakthrough Genomics
Classification: Benign. Review status: criteria provided, single submitter. Criteria: ACMG Guidelines, 2015. Collection method: not provided. Allele origin: germline. Inheritance: Autosomal recessive inheritance. Affected: yes.